The following is an entry in ClinVar:

ClinVar aggregate classification (germline): Uncertain significance (1 of 4 stars; one submission).

Conditions:
Joubert syndrome 14 (JBTS14). Identifiers: MedGen C3280766, MONDO:0013745, OMIM 614424.

Allele frequency attached by ClinVar (database versions not stated): gnomAD exomes below 0.00001.
gnomAD v4.1: 2 of 1,604,570 alleles (0.00012%); highest among the groups gnomAD compares: Non-Finnish European, 0.00017%; no homozygotes.

Submission:

Labcorp Genetics (formerly Invitae), Labcorp
Classification: Uncertain significance for Joubert syndrome 14. Last evaluated: 2023-07-17. Review status: criteria provided, single submitter. Criteria: Invitae Variant Classification Sherloc (09022015). Collection method: clinical testing. Allele origin: germline.
Comment: In summary, the available evidence is currently insufficient to determine the role of this variant in disease. Therefore, it has been classified as a Variant of Uncertain Significance. Advanced modeling of protein sequence and biophysical properties (such as structural, functional, and spatial information, amino acid conservation, physicochemical variation, residue mobility, and thermodynamic stability) performed at Invitae indicates that this missense variant is not expected to disrupt TMEM237 protein function. ClinVar contains an entry for this variant (Variation ID: 1997905). This variant has not been reported in the literature in individuals affected with TMEM237-related conditions. This variant is not present in population databases (gnomAD no frequency). This sequence change replaces leucine, which is neutral and non-polar, with valine, which is neutral and non-polar, at codon 324 of the TMEM237 protein (p.Leu324Val).

NM_001044385.3(TMEM237):c.970C>G (p.Leu324Val)

Gene: TMEM237 (transmembrane protein 237; minus strand). Cytogenetic location: 2q33.1.
Variant type: single nucleotide variant.
Coding change: c.970C>G on transcript NM_001044385.3 (MANE Select); coding-DNA position 970, C replaced by G.
Protein change: p.Leu324Val; replaces leucine 324 with valine.
Molecular consequence: missense variant.
Genome position (GRCh38, 1-based): chr2:201,627,388, G>C on the plus strand (C>G on the coding strand, the complement: TMEM237 is on the minus strand). VCF-style: chr2-201627388-G-C. GRCh37 (hg19) VCF-style: chr2-202492111-G-C.
Other names: c.946C>G, p.Leu316Val (NM_152388.4); short protein forms L316V, L324V.
Identifiers: ClinVar variation 1997905 (VCV001997905.4), dbSNP rs2469489253, ClinGen allele CA350306589.
Genomic context (GRCh38, chr2:201,627,388, plus strand): 5'-TACCATTAACAGAAGAAGGTGTGTAAAGGTGGATTCTGTCACTTGTCATTTGCTGACTCA[G>C]AGATAGTATAAGAGCAGTAAAGTACACTGAGAAAAAGACAAATGAAATTACTAATAATTT-3'
Protein context (NP_001037850.1, residues 314-334): FLYFTALILS[Leu324Val]SQQMTSDRIH